The following is an entry in ClinVar:

NM_006231.4(POLE):c.488T>G (p.Leu163Arg)

Gene: POLE (DNA polymerase epsilon, catalytic subunit; minus strand). Cytogenetic location: 12q24.33.
Variant type: single nucleotide variant.
Coding change: c.488T>G on transcript NM_006231.4 (MANE Select); coding-DNA position 488, T replaced by G.
Protein change: p.Leu163Arg; replaces leucine 163 with arginine.
Molecular consequence: missense variant.
Genome position (GRCh38, 1-based): chr12:132,679,587, A>C on the plus strand (T>G on the coding strand, the complement: POLE is on the minus strand). VCF-style: chr12-132679587-A-C. GRCh37 (hg19) VCF-style: chr12-133256173-A-C.
Other names: short protein forms L163R.
Identifiers: ClinVar variation 4745617 (VCV004745617.1).

ClinVar aggregate classification (germline): Uncertain significance (1 of 4 stars; one submission).

Submission:

Labcorp Genetics (formerly Invitae), Labcorp
Classification: Uncertain significance. Last evaluated: 2025-04-18. Review status: criteria provided, single submitter. Criteria: Invitae Variant Classification Sherloc (09022015). Collection method: clinical testing. Allele origin: germline.
Comment: This sequence change replaces leucine, which is neutral and non-polar, with arginine, which is basic and polar, at codon 163 of the POLE protein (p.Leu163Arg). This variant is not present in population databases (gnomAD no frequency). This variant has not been reported in the literature in individuals affected with POLE-related conditions. Invitae Evidence Modeling of protein sequence and biophysical properties (such as structural, functional, and spatial information, amino acid conservation, physicochemical variation, residue mobility, and thermodynamic stability) indicates that this missense variant is expected to disrupt POLE protein function with a positive predictive value of 80%. In summary, the available evidence is currently insufficient to determine the role of this variant in disease. Therefore, it has been classified as a Variant of Uncertain Significance.